The following is an entry in ClinVar:

ClinVar aggregate classification (germline): Uncertain significance. Review status: criteria provided, multiple submitters, no conflicts (2 of 4 stars). 3 submissions from 3 submitters: Uncertain significance (3). Last evaluated 2026-06-09.

Conditions:
Hereditary cancer-predisposing syndrome. Also called: Neoplastic Syndromes, Hereditary; Tumor predisposition; Hereditary Cancer Syndrome; Hereditary neoplastic syndrome. Identifiers: Orphanet 140162, MedGen C0027672, MeSH D009386, MONDO:0015356.
Retinoblastoma (RB1). Also called: RETINOBLASTOMA, SOMATIC. Identifiers: Orphanet 790, MedGen C0035335, MeSH D012175, MONDO:0008380, OMIM 180200, HP:0009919. Disease mechanism: loss of function. Inheritance: Both sporadic and heritable forms are tested..

Allele frequency attached by ClinVar (database versions not stated): gnomAD exomes 0.00001.
gnomAD v4.1: 17 of 1,613,080 alleles (0.0011%); highest among the groups gnomAD compares: Non-Finnish European, 0.0014%; no homozygotes.

Submissions (3):

Ambry Genetics
Classification: Uncertain significance for Hereditary cancer-predisposing syndrome. Last evaluated: 2026-06-09. Review status: criteria provided, single submitter. Criteria: Ambry Variant Classification Scheme 2023. Collection method: clinical testing. Allele origin: germline.

Labcorp Genetics (formerly Invitae), Labcorp
Classification: Uncertain significance for Retinoblastoma. Last evaluated: 2025-01-23. Review status: criteria provided, single submitter. Criteria: Invitae Variant Classification Sherloc (09022015). Collection method: clinical testing. Allele origin: germline.
Comment: This sequence change replaces isoleucine, which is neutral and non-polar, with threonine, which is neutral and polar, at codon 573 of the RB1 protein (p.Ile573Thr). The frequency data for this variant in the population databases is considered unreliable, as metrics indicate poor data quality at this position in the gnomAD database. This variant has not been reported in the literature in individuals affected with RB1-related conditions. ClinVar contains an entry for this variant (Variation ID: 1778671). Invitae Evidence Modeling of protein sequence and biophysical properties (such as structural, functional, and spatial information, amino acid conservation, physicochemical variation, residue mobility, and thermodynamic stability) indicates that this missense variant is not expected to disrupt RB1 protein function with a negative predictive value of 80%. In summary, the available evidence is currently insufficient to determine the role of this variant in disease. Therefore, it has been classified as a Variant of Uncertain Significance.

All of Us Research Program, National Institutes of Health
Classification: Uncertain significance for Retinoblastoma. Last evaluated: 2024-03-05. Review status: criteria provided, single submitter. Criteria: ACMG Guidelines, 2015. Collection method: clinical testing. Allele origin: germline. Inheritance: Autosomal dominant inheritance. Observed: 1 variant allele, 1 heterozygote.
Comment: This study involves interpretation of variants in research participants for the purpose of population health screening. Participant phenotype was not available at the time of variant classification. Additional details can be found in publication PMID: 35346344, PMCID: PMC8962531

NM_000321.3(RB1):c.1718T>C (p.Ile573Thr)

Gene: RB1 (RB transcriptional corepressor 1; plus strand). Cytogenetic location: 13q14.2.
Variant type: single nucleotide variant.
Coding change: c.1718T>C on transcript NM_000321.3 (MANE Select); coding-DNA position 1718, T replaced by C.
Protein change: p.Ile573Thr; replaces isoleucine 573 with threonine.
Molecular consequence: missense variant.
Genome position (GRCh38, 1-based): chr13:48,453,015, T>C. VCF-style: chr13-48453015-T-C. GRCh37 (hg19) VCF-style: chr13-49027151-T-C.
Other names: c.1718T>C, p.Ile573Thr (NM_001407165.1); short protein forms I573T.
Identifiers: ClinVar variation 1778671 (VCV001778671.8), dbSNP rs1478823304, ClinGen allele CA388165470.